The following is an entry in ClinVar:

ClinVar aggregate classification (germline): Likely pathogenic (1 of 4 stars; one submission).

Conditions:
Spermatogenic failure 34. Identifiers: MedGen C4748403, MONDO:0029148, OMIM 618153.

Submission:

Juno Genomics, Hangzhou Juno Genomics, Inc
Classification: Likely pathogenic for Spermatogenic failure 34. Review status: criteria provided, single submitter. Criteria: ACMG Guidelines, 2015. Collection method: clinical testing. Allele origin: germline.
Comment: Absent from controls (or at extremely low frequency if recessive) in Genome Aggregation Database.;Null variant in a gene where loss of function (LOF) is a known mechanism of disease.

NM_173651.4(FSIP2):c.2319dup (p.Cys774fs)

Genes: FSIP2 (fibrous sheath interacting protein 2; plus strand), FSIP2-AS1 (FSIP2 antisense RNA 1; minus strand). Cytogenetic location: 2q32.1.
Variant type: Duplication.
Coding change: c.2319dup on transcript NM_173651.4 (MANE Select); coding-DNA position 2319, one base duplicated (A; older notation c.2319dupA).
Protein change: p.Cys774fs; shifts the reading frame from cysteine 774.
Molecular consequence: frameshift variant.
Genome position (GRCh38, 1-based): chr2:185,789,455, A duplicated; the last of 6 consecutive A bases (chr2:185,789,450-185,789,455); duplicating any one gives the same sequence. VCF-style (leftmost placement, unchanged base first): chr2-185789449-G-GA. GRCh37 (hg19) VCF-style: chr2-186654176-G-GA.
Other names: short protein forms C774fs.
Identifiers: ClinVar variation 5019349 (VCV005019349.2).